The following is an entry in ClinVar:

ClinVar aggregate classification (germline): Conflicting classifications of pathogenicity. Review status: criteria provided, conflicting classifications (1 of 4 stars). 3 submissions from 3 submitters: Uncertain significance (2); Likely benign (1). Last evaluated 2026-01-23.

Conditions:
Juvenile polyposis syndrome (JPS). Identifiers: Orphanet 2929, MedGen C0345893, MONDO:0017380, OMIM 174900.
Hereditary cancer-predisposing syndrome. Also called: Tumor predisposition; Hereditary neoplastic syndrome; Hereditary Cancer Syndrome; Neoplastic Syndromes, Hereditary. Identifiers: Orphanet 140162, MedGen C0027672, MeSH D009386, MONDO:0015356.

Allele frequency attached by ClinVar (database versions not stated): gnomAD exomes below 0.00001; gnomAD 0.00001; 1000 Genomes Project 0.00020; 1000 Genomes Project 30x 0.00016; TOPMed 0.00001.
gnomAD v4.1: 2 of 1,612,032 alleles (0.00012%); highest among the groups gnomAD compares: East Asian, 0.0022%; no homozygotes.

Submissions (3):

Ambry Genetics
Classification: Likely benign for Hereditary cancer-predisposing syndrome. Last evaluated: 2026-01-23. Review status: criteria provided, single submitter. Criteria: Ambry Variant Classification Scheme 2023. Collection method: clinical testing. Allele origin: germline.

Color Diagnostics, LLC DBA Color Health
Classification: Uncertain significance for Hereditary cancer-predisposing syndrome. Last evaluated: 2025-08-20. Review status: criteria provided, single submitter. Criteria: ACMG Guidelines, 2015. Collection method: clinical testing. Allele origin: germline.
Comment: This missense variant replaces alanine with threonine at codon 13 of the BMPR1A protein. Computational prediction suggests that this variant may not impact protein structure and function. To our knowledge, functional studies have not been reported for this variant. This variant has not been reported in individuals affected with BMPR1A-related disorders in the literature. This variant has been identified in 1/251334 chromosomes in the general population by the Genome Aggregation Database (gnomAD). The available evidence is insufficient to determine the role of this variant in disease conclusively. Therefore, this variant is classified as a Variant of Uncertain Significance.

Labcorp Genetics (formerly Invitae), Labcorp
Classification: Uncertain significance for Juvenile polyposis syndrome. Last evaluated: 2025-04-08. Review status: criteria provided, single submitter. Criteria: Invitae Variant Classification Sherloc (09022015). Collection method: clinical testing. Allele origin: germline.
Comment: This sequence change replaces alanine, which is neutral and non-polar, with threonine, which is neutral and polar, at codon 13 of the BMPR1A protein (p.Ala13Thr). This variant is not present in population databases (gnomAD no frequency). This variant has not been reported in the literature in individuals affected with BMPR1A-related conditions. ClinVar contains an entry for this variant (Variation ID: 239861). Invitae Evidence Modeling incorporating data from in vitro experimental studies (internal data) indicates that this missense variant is not expected to disrupt BMPR1A function with a negative predictive value of 95%. In summary, the available evidence is currently insufficient to determine the role of this variant in disease. Therefore, it has been classified as a Variant of Uncertain Significance.

NM_004329.3(BMPR1A):c.37G>A (p.Ala13Thr)

Gene: BMPR1A (bone morphogenetic protein receptor type 1A; plus strand). Cytogenetic location: 10q23.2.
Variant type: single nucleotide variant.
Coding change: c.37G>A on transcript NM_004329.3 (MANE Select); coding-DNA position 37, G replaced by A.
Protein change: p.Ala13Thr; replaces alanine 13 with threonine.
Molecular consequence: missense variant.
Genome position (GRCh38, 1-based): chr10:86,876,055, G>A. VCF-style: chr10-86876055-G-A. GRCh37 (hg19) VCF-style: chr10-88635812-G-A.
Other names: short protein forms A13T.
Identifiers: ClinVar variation 239861 (VCV000239861.21), dbSNP rs200115604, ClinGen allele CA10582739.